The following is an entry in ClinVar:

NM_001365480.1(CCDC88A):c.5179G>C (p.Val1727Leu)

Gene: CCDC88A (coiled-coil and HOOK domain protein 88A; minus strand). Cytogenetic location: 2p16.1.
Variant type: single nucleotide variant.
Coding change: c.5179G>C on transcript NM_001365480.1 (MANE Select); coding-DNA position 5179, G replaced by C.
Protein change: p.Val1727Leu; replaces valine 1727 with leucine.
Molecular consequence: missense variant.
Genome position (GRCh38, 1-based): chr2:55,295,969, C>G on the plus strand (G>C on the coding strand, the complement: CCDC88A is on the minus strand). VCF-style: chr2-55295969-C-G. GRCh37 (hg19) VCF-style: chr2-55523105-C-G.
Other names: c.5176G>C, p.Val1726Leu (NM_001135597.2, NM_001254943.2); c.5095G>C, p.Val1699Leu (NM_018084.5); short protein forms V1699L, V1726L, V1727L.
Identifiers: ClinVar variation 1388123 (VCV001388123.6), dbSNP rs1679983062, ClinGen allele CA346912030.

ClinVar aggregate classification (germline): Uncertain significance (1 of 4 stars; one submission).

gnomAD v4.1: 1 of 1,613,916 alleles (0.000062%); highest among the groups gnomAD compares: Admixed American, 0.0017%; no homozygotes.

Submission:

Labcorp Genetics (formerly Invitae), Labcorp
Classification: Uncertain significance. Last evaluated: 2024-02-23. Review status: criteria provided, single submitter. Criteria: Invitae Variant Classification Sherloc (09022015). Collection method: clinical testing. Allele origin: germline.
Comment: This sequence change replaces valine, which is neutral and non-polar, with leucine, which is neutral and non-polar, at codon 1726 of the CCDC88A protein (p.Val1726Leu). This variant is not present in population databases (gnomAD no frequency). This variant has not been reported in the literature in individuals affected with CCDC88A-related conditions. ClinVar contains an entry for this variant (Variation ID: 1388123). An algorithm developed to predict the effect of missense changes on protein structure and function (PolyPhen-2) suggests that this variant is likely to be tolerated. In summary, the available evidence is currently insufficient to determine the role of this variant in disease. Therefore, it has been classified as a Variant of Uncertain Significance.